The following is an entry in ClinVar:

NM_005902.4(SMAD3):c.115G>C (p.Val39Leu)

Gene: SMAD3 (SMAD family member 3; plus strand). Cytogenetic location: 15q22.33.
Variant type: single nucleotide variant.
Coding change: c.115G>C on transcript NM_005902.4 (MANE Select); coding-DNA position 115, G replaced by C.
Protein change: p.Val39Leu; replaces valine 39 with leucine.
Molecular consequence: missense variant.
Genome position (GRCh38, 1-based): chr15:67,066,269, G>C. VCF-style: chr15-67066269-G-C. GRCh37 (hg19) VCF-style: chr15-67358607-G-C.
Other names: short protein forms V39L.
Identifiers: ClinVar variation 1475899 (VCV001475899.8), dbSNP rs2140188954, ClinGen allele CA393202922.

ClinVar aggregate classification (germline): Uncertain significance (1 of 4 stars; one submission).

Conditions:
Familial thoracic aortic aneurysm and aortic dissection (TAAD). Also called: Thoracic aortic aneurysms and dissections. Identifiers: Orphanet 91387, MedGen C4707243, MONDO:0019625.

Submission:

Labcorp Genetics (formerly Invitae), Labcorp
Classification: Uncertain significance for Familial thoracic aortic aneurysm and aortic dissection. Last evaluated: 2025-05-27. Review status: criteria provided, single submitter. Criteria: Invitae Variant Classification Sherloc (09022015). Collection method: clinical testing. Allele origin: germline.
Comment: This sequence change replaces valine with leucine at codon 39 of the SMAD3 protein (p.Val39Leu). The valine residue is moderately conserved and there is a small physicochemical difference between valine and leucine. This variant is not present in population databases (gnomAD no frequency). This variant has not been reported in the literature in individuals affected with SMAD3-related conditions. ClinVar contains an entry for this variant (Variation ID: 1475899). Invitae Evidence Modeling of protein sequence and biophysical properties (such as structural, functional, and spatial information, amino acid conservation, physicochemical variation, residue mobility, and thermodynamic stability) has been performed for this missense variant. However, the output from this modeling did not meet the statistical confidence thresholds required to predict the impact of this variant on SMAD3 protein function. In summary, the available evidence is currently insufficient to determine the role of this variant in disease. Therefore, it has been classified as a Variant of Uncertain Significance.